The following is an entry in ClinVar:

NM_025144.4(ALPK1):c.381_382delinsAA (p.Leu128Met)

Gene: ALPK1 (alpha kinase 1; plus strand). Cytogenetic location: 4q25.
Variant type: Indel.
Coding change: c.381_382delinsAA on transcript NM_025144.4 (MANE Select); coding-DNA positions 381 to 382, TC replaced by AA.
Protein change: p.Leu128Met; replaces leucine 128 with methionine.
Molecular consequence: missense variant.
Genome position (GRCh38, 1-based): chr4:112,411,931-112,411,932, TC replaced by AA. VCF-style: chr4-112411931-TC-AA. GRCh37 (hg19) VCF-style: chr4-113333087-TC-AA.
Other names: c.381_382delinsAA, p.Leu128Met (NM_001102406.2); c.147_148delinsAA, p.Leu50Met (NM_001253884.2); short protein forms L50M, L128M.
Identifiers: ClinVar variation 2985191 (VCV002985191.3), dbSNP rs2476468119, ClinGen allele CA2740091559.
Genomic context (GRCh38, chr4:112,411,931, plus strand): 5'-GGCGGCTATTGTGTTCTTGGTGGACCGGTTCCTGTATGGGCTCGACGTCTCTGGAAAACT[TC>AA]TGCAGGTCGCCAAAGGTCTCCACAAGTTGCAGCCAGCCACGCCAATTGCCCCGCAGGTGG-3'
Protein context (NP_079420.3, residues 118-138): LYGLDVSGKL[Leu128Met]QVAKGLHKLQ

ClinVar aggregate classification (germline): Uncertain significance (1 of 4 stars; one submission).

Submission:

Labcorp Genetics (formerly Invitae), Labcorp
Classification: Uncertain significance. Last evaluated: 2025-09-30. Review status: criteria provided, single submitter. Criteria: Invitae Variant Classification Sherloc (09022015). Collection method: clinical testing. Allele origin: germline.
Comment: This sequence change replaces leucine, which is neutral and non-polar, with methionine, which is neutral and non-polar, at codon 128 of the ALPK1 protein (p.Leu128Met). Information on the frequency of this variant in the gnomAD database is not available, as this variant may be reported differently in the database. This variant has not been reported in the literature in individuals affected with ALPK1-related conditions. ClinVar contains an entry for this variant (Variation ID: 2985191). Experimental studies and prediction algorithms are not available or were not evaluated, and the functional significance of this variant is currently unknown. In summary, the available evidence is currently insufficient to determine the role of this variant in disease. Therefore, it has been classified as a Variant of Uncertain Significance.